The following is an entry in ClinVar:

NM_020738.4(KIDINS220):c.3734G>A (p.Arg1245His)

Gene: KIDINS220 (kinase D interacting substrate 220; minus strand). Cytogenetic location: 2p25.1.
Variant type: single nucleotide variant.
Coding change: c.3734G>A on transcript NM_020738.4 (MANE Select); coding-DNA position 3734, G replaced by A.
Protein change: p.Arg1245His; replaces arginine 1245 with histidine.
Molecular consequence: missense variant. On other transcripts: non-coding transcript variant (2).
Genome position (GRCh38, 1-based): chr2:8,734,737, C>T on the plus strand (G>A on the coding strand, the complement: KIDINS220 is on the minus strand). VCF-style: chr2-8734737-C-T. GRCh37 (hg19) VCF-style: chr2-8874867-C-T.
Other names: c.3737G>A, p.Arg1246His (NM_001348729.2); c.3680G>A, p.Arg1227His (NM_001348731.2); c.3677G>A, p.Arg1226His (NM_001348732.2, NM_001348738.2); c.3566G>A, p.Arg1189His (NM_001348734.2, NM_001348739.2, NM_001348740.2); c.3563G>A, p.Arg1188His (NM_001348735.2, NM_001348741.2, NM_001348742.2 and 1 more transcripts); c.3437G>A, p.Arg1146His (NM_001348736.2); short protein forms R1226H, R1245H, R1246H, R1188H, R1227H, R1146H, R1189H.
Identifiers: ClinVar variation 1913456 (VCV001913456.8), dbSNP rs61742970, ClinGen allele CA1519527.

ClinVar aggregate classification (germline): Uncertain significance. Review status: criteria provided, multiple submitters, no conflicts (2 of 4 stars). 3 submissions from 3 submitters: Uncertain significance (2). 1 of the submissions does not count toward it. Last evaluated 2025-03-31.

Conditions:
Inborn genetic diseases. Identifiers: MedGen C0950123, MeSH D030342.
KIDINS220-related disorder. Also called: KIDINS220-related condition.

Allele frequency attached by ClinVar (database versions not stated): gnomAD 0.00001; ExAC 0.00003; TOPMed 0.00003; gnomAD exomes 0.00004; 1000 Genomes Project 30x 0.00016; 1000 Genomes Project 0.00020.
gnomAD v4.1: 54 of 1,611,078 alleles (0.0034%); highest among the groups gnomAD compares: South Asian, 0.0067%; no homozygotes.

Submissions (3):

Labcorp Genetics (formerly Invitae), Labcorp
Classification: Uncertain significance. Last evaluated: 2025-03-31. Review status: criteria provided, single submitter. Criteria: Invitae Variant Classification Sherloc (09022015). Collection method: clinical testing. Allele origin: germline.
Comment: This sequence change replaces arginine, which is basic and polar, with histidine, which is basic and polar, at codon 1245 of the KIDINS220 protein (p.Arg1245His). This variant is present in population databases (rs61742970, gnomAD 0.01%). This variant has not been reported in the literature in individuals affected with KIDINS220-related conditions. ClinVar contains an entry for this variant (Variation ID: 1913456). An algorithm developed to predict the effect of missense changes on protein structure and function (PolyPhen-2) suggests that this variant is likely to be disruptive. In summary, the available evidence is currently insufficient to determine the role of this variant in disease. Therefore, it has been classified as a Variant of Uncertain Significance.

Ambry Genetics
Classification: Uncertain significance for Inborn genetic diseases. Last evaluated: 2021-02-11. Review status: criteria provided, single submitter. Criteria: Ambry Variant Classification Scheme 2023. Collection method: clinical testing. Allele origin: germline.
Comment: The c.3734G>A (p.R1245H) alteration is located in exon 28 (coding exon 27) of the KIDINS220 gene. This alteration results from a G to A substitution at nucleotide position 3734, causing the arginine (R) at amino acid position 1245 to be replaced by a histidine (H). The in silico prediction for the p.R1245H alteration is inconclusive. Based on insufficient or conflicting evidence, the clinical significance of this alteration remains unclear.

PreventionGenetics, part of Exact Sciences
Classification: Uncertain significance for KIDINS220-related condition. Last evaluated: 2024-02-14. Review status: no assertion criteria provided. Collection method: clinical testing. Allele origin: germline. Not counted in ClinVar's aggregate classification.
Comment: The KIDINS220 c.3734G>A variant is predicted to result in the amino acid substitution p.Arg1245His. To our knowledge, this variant has not been reported in the literature. This variant is reported in 0.014% of alleles in individuals of South Asian descent in gnomAD. At this time, the clinical significance of this variant is uncertain due to the absence of conclusive functional and genetic evidence.